The following is an entry in ClinVar:

ClinVar aggregate classification (germline): Likely benign (0 of 4 stars; one submission).

Conditions:
GSX2-related disorder. Also called: GSX2-related condition.

Submission:

PreventionGenetics, part of Exact Sciences
Classification: Likely benign for GSX2-related condition. Last evaluated: 2022-02-07. Review status: no assertion criteria provided. Collection method: clinical testing. Allele origin: germline.
Comment: This variant is classified as likely benign based on ACMG/AMP sequence variant interpretation guidelines (Richards et al. 2015 PMID: 25741868, with internal and published modifications).

NM_133267.3(GSX2):c.459A>C (p.Ala153=)

Gene: GSX2 (GS homeobox 2; plus strand). Cytogenetic location: 4q12.
Variant type: single nucleotide variant.
Coding change: c.459A>C on transcript NM_133267.3 (MANE Select); coding-DNA position 459, A replaced by C.
Protein change: p.Ala153=; no amino-acid change (alanine 153 retained).
Molecular consequence: synonymous variant.
Genome position (GRCh38, 1-based): chr4:54,100,803, A>C. VCF-style: chr4-54100803-A-C. GRCh37 (hg19) VCF-style: chr4-54966970-A-C.
Identifiers: ClinVar variation 3048774 (VCV003048774.2), dbSNP rs1578004795, ClinGen allele CA439412180.
Genomic context (GRCh38, chr4:54,100,803, plus strand): 5'-GCACCACCATCACCATCATCAGCCCCAGCAGCCTGGCTCGGCCGCGGCGGCGGCAGCAGC[A>C]GCAGCGGCGGCGGCGGCCGCGGCGGCCTTGGGGCACCCGCAGCACCACGCACCTGTCTGC-3'
Protein context (NP_573574.2, residues 143-163): QPGSAAAAAA[Ala153=]AAAAAAAAAL